The following is an entry in ClinVar:

ClinVar aggregate classification (germline): Uncertain significance. Review status: criteria provided, multiple submitters, no conflicts (2 of 4 stars). 5 submissions from 5 submitters: Uncertain significance (5). Last evaluated 2026-07-02.

Conditions:
DOLK-related disorder. Also called: DOLK-related condition.
DK1-congenital disorder of glycosylation. Also called: DK1-CDG; CDG Im; DK1 DEFICIENCY; DOLICHOL KINASE DEFICIENCY; CONGENITAL DISORDER OF GLYCOSYLATION, TYPE Im; DOLK-congenital disorder of glycosylation. Identifiers: Orphanet 91131, MedGen C1835849, MONDO:0012556, OMIM 610768.
Cardiovascular phenotype. Identifiers: MedGen CN230736.

Allele frequency attached by ClinVar (database versions not stated): gnomAD exomes below 0.00001 and 0.00001; ExAC 0.00001; TOPMed 0.00003; gnomAD 0.00005.
gnomAD v4.1: 9 of 1,614,102 alleles (0.00056%); highest among the groups gnomAD compares: African/African-American, 0.012%; no homozygotes.

Submissions (5):

PreventionGenetics, part of Exact Sciences
Classification: Uncertain significance for DOLK-related condition. Last evaluated: 2026-07-02. Review status: criteria provided, single submitter. Criteria: ACMG Guidelines, 2015. Collection method: clinical testing. Allele origin: germline.
Comment: The DOLK c.1431G>A variant is predicted to result in the amino acid substitution p.Met477Ile. To our knowledge, this variant has not been reported in the literature. This variant is reported in 0.016% of alleles in individuals of African descent in gnomAD. At this time, the clinical significance of this variant is uncertain due to the absence of conclusive functional and genetic evidence.

Women's Health and Genetics/Laboratory Corporation of America, LabCorp
Classification: Uncertain significance. Last evaluated: 2025-07-24. Review status: criteria provided, single submitter. Criteria: LabCorp Variant Classification Summary - May 2015. Collection method: clinical testing. Allele origin: germline.

Ambry Genetics
Classification: Uncertain significance for Cardiovascular phenotype. Last evaluated: 2023-05-31. Review status: criteria provided, single submitter. Criteria: Ambry Variant Classification Scheme 2023. Collection method: clinical testing. Allele origin: germline.
Comment: The p.M477I variant (also known as c.1431G>A), located in coding exon 1 of the DOLK gene, results from a G to A substitution at nucleotide position 1431. The methionine at codon 477 is replaced by isoleucine, an amino acid with highly similar properties. This amino acid position is not well conserved in available vertebrate species. In addition, this alteration is predicted to be tolerated by in silico analysis. Since supporting evidence is limited at this time, the clinical significance of this alteration remains unclear.

Labcorp Genetics (formerly Invitae), Labcorp
Classification: Uncertain significance for DK1-congenital disorder of glycosylation. Last evaluated: 2022-07-25. Review status: criteria provided, single submitter. Criteria: Invitae Variant Classification Sherloc (09022015). Collection method: clinical testing. Allele origin: germline.
Comment: This sequence change replaces methionine, which is neutral and non-polar, with isoleucine, which is neutral and non-polar, at codon 477 of the DOLK protein (p.Met477Ile). This variant is present in population databases (rs754150966, gnomAD 0.02%). This variant has not been reported in the literature in individuals affected with DOLK-related conditions. ClinVar contains an entry for this variant (Variation ID: 1026749). Algorithms developed to predict the effect of missense changes on protein structure and function (SIFT, PolyPhen-2, Align-GVGD) all suggest that this variant is likely to be tolerated. In summary, the available evidence is currently insufficient to determine the role of this variant in disease. Therefore, it has been classified as a Variant of Uncertain Significance.

Fulgent Genetics
Classification: Uncertain significance for DK1-congenital disorder of glycosylation. Last evaluated: 2021-08-30. Review status: criteria provided, single submitter. Criteria: ACMG Guidelines, 2015. Collection method: clinical testing. Allele origin: unknown.

NM_014908.4(DOLK):c.1431G>A (p.Met477Ile)

Gene: DOLK (dolichol kinase; minus strand). Cytogenetic location: 9q34.11.
Variant type: single nucleotide variant.
Coding change: c.1431G>A on transcript NM_014908.4 (MANE Select); coding-DNA position 1431, G replaced by A.
Protein change: p.Met477Ile; replaces methionine 477 with isoleucine.
Molecular consequence: missense variant.
Genome position (GRCh38, 1-based): chr9:128,945,873, C>T on the plus strand (G>A on the coding strand, the complement: DOLK is on the minus strand). VCF-style: chr9-128945873-C-T. GRCh37 (hg19) VCF-style: chr9-131708152-C-T.
Other names: short protein forms M477I.
Identifiers: ClinVar variation 1026749 (VCV001026749.12), dbSNP rs754150966, ClinGen allele CA5271566.
Genomic context (GRCh38, chr9:128,945,873, plus strand): 5'-CACTCCACTGTCAAAGATTAAGATCAGAGCTACAGAAATGATCTGCGCAAATATAGATGT[C>T]ATGGTCCCCTCAAAAGTCTTTTTGGTTCCAGGCCAGCGGATCTCCCCCATGGTGCTACCG-3'
Protein context (NP_055723.1, residues 467-487): PGTKKTFEGT[Met477Ile]TSIFAQIISV